The following is an entry in ClinVar:

NM_032380.5(GFM2):c.1648G>A (p.Glu550Lys)

Gene: GFM2 (GTP dependent ribosome recycling factor mitochondrial 2; minus strand). Cytogenetic location: 5q13.3.
Variant type: single nucleotide variant.
Coding change: c.1648G>A on transcript NM_032380.5 (MANE Select); coding-DNA position 1648, G replaced by A.
Protein change: p.Glu550Lys; replaces glutamic acid 550 with lysine.
Molecular consequence: missense variant.
Genome position (GRCh38, 1-based): chr5:74,730,338, C>T on the plus strand (G>A on the coding strand, the complement: GFM2 is on the minus strand). VCF-style: chr5-74730338-C-T. GRCh37 (hg19) VCF-style: chr5-74026163-C-T.
Other names: c.1744G>A, p.Glu582Lys (NM_001281302.2); c.1507G>A, p.Glu503Lys (NM_170691.3); short protein forms E503K, E550K, E582K.
Identifiers: ClinVar variation 2078897 (VCV002078897.4), dbSNP rs2478831604, ClinGen allele CA360077995.

ClinVar aggregate classification (germline): Uncertain significance (1 of 4 stars; one submission).

Submission:

Labcorp Genetics (formerly Invitae), Labcorp
Classification: Uncertain significance. Last evaluated: 2022-01-11. Review status: criteria provided, single submitter. Criteria: Invitae Variant Classification Sherloc (09022015). Collection method: clinical testing. Allele origin: germline.
Comment: In summary, the available evidence is currently insufficient to determine the role of this variant in disease. Therefore, it has been classified as a Variant of Uncertain Significance. Algorithms developed to predict the effect of missense changes on protein structure and function are either unavailable or do not agree on the potential impact of this missense change (SIFT: "Tolerated"; PolyPhen-2: "Possibly Damaging"; Align-GVGD: "Class C0"). This variant has not been reported in the literature in individuals affected with GFM2-related conditions. This variant is not present in population databases (gnomAD no frequency). This sequence change replaces glutamic acid, which is acidic and polar, with lysine, which is basic and polar, at codon 550 of the GFM2 protein (p.Glu550Lys).